The following is an entry in ClinVar:

ClinVar aggregate classification (germline): Uncertain significance (1 of 4 stars; one submission).

Allele frequency attached by ClinVar (database versions not stated): gnomAD exomes 0.00001 and 0.00002; ExAC 0.00002; TOPMed 0.00006; gnomAD 0.00008 and 0.00009.
gnomAD v4.1: 27 of 1,613,884 alleles (0.0017%); highest among the groups gnomAD compares: Middle Eastern, 0.082%; no homozygotes.

Submission:

Labcorp Genetics (formerly Invitae), Labcorp
Classification: Uncertain significance. Last evaluated: 2022-02-10. Review status: criteria provided, single submitter. Criteria: Invitae Variant Classification Sherloc (09022015). Collection method: clinical testing. Allele origin: germline.
Comment: This sequence change replaces alanine, which is neutral and non-polar, with threonine, which is neutral and polar, at codon 272 of the DNAAF4 protein (p.Ala272Thr). This variant is present in population databases (rs745396760, gnomAD 0.003%). This variant has not been reported in the literature in individuals affected with DNAAF4-related conditions. ClinVar contains an entry for this variant (Variation ID: 581801). Algorithms developed to predict the effect of missense changes on protein structure and function (SIFT, PolyPhen-2, Align-GVGD) all suggest that this variant is likely to be tolerated. In summary, the available evidence is currently insufficient to determine the role of this variant in disease. Therefore, it has been classified as a Variant of Uncertain Significance.

NM_130810.4(DNAAF4):c.814G>A (p.Ala272Thr)

Genes: DNAAF4 (dynein axonemal assembly factor 4; minus strand), DNAAF4-CCPG1 (DNAAF4-CCPG1 readthrough (NMD candidate); minus strand). Cytogenetic location: 15q21.3.
Variant type: single nucleotide variant.
Coding change: c.814G>A on transcript NM_130810.4 (MANE Select); coding-DNA position 814, G replaced by A.
Protein change: p.Ala272Thr; replaces alanine 272 with threonine.
Molecular consequence: missense variant. On other transcripts: non-coding transcript variant (1).
Genome position (GRCh38, 1-based): chr15:55,439,551, C>T on the plus strand (G>A on the coding strand, the complement: DNAAF4 is on the minus strand). VCF-style: chr15-55439551-C-T. GRCh37 (hg19) VCF-style: chr15-55731749-C-T.
Other names: c.814G>A, p.Ala272Thr (NM_001033559.3, NM_001033560.2); short protein forms A272T.
Identifiers: ClinVar variation 581801 (VCV000581801.9), dbSNP rs745396760, ClinGen allele CA7574922.